The following is an entry in ClinVar:

ClinVar aggregate classification (germline): Uncertain significance (1 of 4 stars; one submission).

Conditions:
Cenani-Lenz syndactyly syndrome. Also called: CENANI SYNDACTYLISM; SYNDACTYLY, TYPE VII. Identifiers: Orphanet 3258, MedGen C1859309, MONDO:0008931, OMIM 212780.
Sclerosteosis 2 (SOST2). Identifiers: Orphanet 3152, MedGen C3280402, MONDO:0013679, OMIM 614305.
Congenital myasthenic syndrome 17. Identifiers: Orphanet 590, MedGen C4225377, MONDO:0014578, OMIM 616304.

Allele frequency attached by ClinVar (database versions not stated): gnomAD exomes below 0.00001.
gnomAD v4.1: 2 of 1,614,164 alleles (0.00012%); highest among the groups gnomAD compares: Non-Finnish European, 0.00017%; no homozygotes.

Submission:

Labcorp Genetics (formerly Invitae), Labcorp
Classification: Uncertain significance for Cenani-Lenz syndactyly syndrome; Sclerosteosis 2; Congenital myasthenic syndrome 17. Last evaluated: 2021-08-01. Review status: criteria provided, single submitter. Criteria: Invitae Variant Classification Sherloc (09022015). Collection method: clinical testing. Allele origin: germline.
Comment: This variant is not present in population databases (ExAC no frequency). This sequence change replaces leucine with valine at codon 318 of the LRP4 protein (p.Leu318Val). The leucine residue is highly conserved and there is a small physicochemical difference between leucine and valine. In summary, the available evidence is currently insufficient to determine the role of this variant in disease. Therefore, it has been classified as a Variant of Uncertain Significance. Algorithms developed to predict the effect of sequence changes on RNA splicing suggest that this variant may create or strengthen a splice site. Algorithms developed to predict the effect of missense changes on protein structure and function (SIFT, PolyPhen-2, Align-GVGD) all suggest that this variant is likely to be tolerated. This variant has not been reported in the literature in individuals affected with LRP4-related conditions.

NM_002334.4(LRP4):c.952C>G (p.Leu318Val)

Gene: LRP4 (LDL receptor related protein 4; minus strand). Cytogenetic location: 11p11.2.
Variant type: single nucleotide variant.
Coding change: c.952C>G on transcript NM_002334.4 (MANE Select); coding-DNA position 952, C replaced by G.
Protein change: p.Leu318Val; replaces leucine 318 with valine.
Molecular consequence: missense variant.
Genome position (GRCh38, 1-based): chr11:46,896,306, G>C on the plus strand (C>G on the coding strand, the complement: LRP4 is on the minus strand). VCF-style: chr11-46896306-G-C. GRCh37 (hg19) VCF-style: chr11-46917857-G-C.
Other names: short protein forms L318V.
Identifiers: ClinVar variation 1480245 (VCV001480245.6), dbSNP rs2134854486, ClinGen allele CA380287713.